The following is an entry in ClinVar:

ClinVar aggregate classification (germline): Likely pathogenic. Review status: criteria provided, multiple submitters, no conflicts (2 of 4 stars). 2 submissions from 2 submitters: Likely pathogenic (2). Last evaluated 2025-10-25.

Conditions:
Anemia, nonspherocytic hemolytic, due to G6PD deficiency (CNSHA1). Also called: ANEMIA, CONGENITAL, NONSPHEROCYTIC HEMOLYTIC, 1; Hemolytic anemia due to G6PD deficiency; Class I glucose-6-phosphate dehydrogenase deficiency; Favism, susceptibility to. Identifiers: Orphanet 466026, MedGen C2720289, MONDO:0010480, OMIM 300908.

Submissions (2):

Labcorp Genetics (formerly Invitae), Labcorp
Classification: Likely pathogenic for Anemia, nonspherocytic hemolytic, due to G6PD deficiency. Last evaluated: 2025-10-25. Review status: criteria provided, single submitter. Criteria: Invitae Variant Classification Sherloc (09022015). Collection method: clinical testing. Allele origin: germline.
Comment: This sequence change replaces serine, which is neutral and polar, with phenylalanine, which is neutral and non-polar, at codon 332 of the G6PD protein (p.Ser332Phe). This variant is not present in population databases (gnomAD no frequency). This missense change has been observed in individual(s) with G6PD-related conditions (PMID: 26827633). ClinVar contains an entry for this variant (Variation ID: 1722602). Invitae Evidence Modeling of protein sequence and biophysical properties (such as structural, functional, and spatial information, amino acid conservation, physicochemical variation, residue mobility, and thermodynamic stability) indicates that this missense variant is expected to disrupt G6PD protein function with a positive predictive value of 95%. In summary, the currently available evidence indicates that the variant is pathogenic, but additional data are needed to prove that conclusively. Therefore, this variant has been classified as Likely Pathogenic.

Dunham Lab, University of Washington
Classification: Likely pathogenic for Anemia, nonspherocytic hemolytic, due to G6PD deficiency. Last evaluated: 2022-08-12. Review status: criteria provided, single submitter. Criteria: Bayesian ACMG Guidelines, 2018. Collection method: curation. Allele origin: unknown. Affected: yes.
Comment: Decreased activity in red blood cells (3-6%) (PS3). Predicted by PolyPhen and SIFT to be probably damaging and deleterious; structural analysis shows disruption of hydrogen bonds (PP3). Not found in gnomAD (PM2). Post_P 0.975 (odds of pathogenicity 350.3, Prior_P 0.1).

Literature cited by the submitters: PubMed 26827633 (cited by Labcorp Genetics (formerly Invitae), Labcorp and Dunham Lab, University of Washington).

NM_001360016.2(G6PD):c.995C>T (p.Ser332Phe)

Gene: G6PD (glucose-6-phosphate dehydrogenase; minus strand). Cytogenetic location: Xq28.
Variant type: single nucleotide variant.
Coding change: c.995C>T on transcript NM_001360016.2 (MANE Select); coding-DNA position 995, C replaced by T.
Protein change: p.Ser332Phe; replaces serine 332 with phenylalanine.
Molecular consequence: missense variant.
Genome position (GRCh38, 1-based): chrX:154,532,998, G>A on the plus strand (C>T on the coding strand, the complement: G6PD is on the minus strand). VCF-style: chrX-154532998-G-A. GRCh37 (hg19) VCF-style: chrX-153761213-G-A.
Other names: G6PD Quilmes; c.1085C>T, p.Ser362Phe (NM_000402.4); c.995C>T, p.Ser332Phe (NM_001042351.3); short protein forms S332F, S362F.
Identifiers: ClinVar variation 1722602 (VCV001722602.3), dbSNP rs2523263765, ClinGen allele CA415234461.